The following is an entry in ClinVar:

ClinVar aggregate classification (germline): Uncertain significance (1 of 4 stars; one submission).

Conditions:
SCAPER-related disorder. Also called: SCAPER-related condition.

Submission:

PreventionGenetics, part of Exact Sciences
Classification: Uncertain significance for SCAPER-related condition. Last evaluated: 2025-05-01. Review status: criteria provided, single submitter. Criteria: ACMG Guidelines, 2015. Collection method: clinical testing. Allele origin: germline.
Comment: The SCAPER c.1418A>T variant is predicted to result in the amino acid substitution p.Asp473Val. To our knowledge, this variant has not been reported in the literature or in a large population database (gnomAD), indicating this variant is rare. At this time, the clinical significance of this variant is uncertain due to the absence of conclusive functional and genetic evidence.

NM_020843.4(SCAPER):c.1400A>T (p.Asp467Val)

Gene: SCAPER (S-phase cyclin A associated protein in the ER; minus strand). Cytogenetic location: 15q24.3.
Variant type: single nucleotide variant.
Coding change: c.1400A>T on transcript NM_020843.4 (MANE Select); coding-DNA position 1400, A replaced by T.
Protein change: p.Asp467Val; replaces aspartic acid 467 with valine.
Molecular consequence: missense variant. On other transcripts: non-coding transcript variant (1).
Genome position (GRCh38, 1-based): chr15:76,766,937, T>A on the plus strand (A>T on the coding strand, the complement: SCAPER is on the minus strand). VCF-style: chr15-76766937-T-A. GRCh37 (hg19) VCF-style: chr15-77059278-T-A.
Other names: c.662A>T, p.Asp221Val (NM_001145923.2); c.1418A>T, p.Asp473Val (NM_001353009.2); c.998A>T, p.Asp333Val (NM_001353010.2, NM_001353012.2); c.1016A>T, p.Asp339Val (NM_001353011.2); short protein forms D339V, D467V, D473V, D221V, D333V.
Identifiers: ClinVar variation 4997663 (VCV004997663.1).